The following is an entry in ClinVar:

ClinVar aggregate classification (germline): Conflicting classifications of pathogenicity. Review status: criteria provided, conflicting classifications (1 of 4 stars). 3 submissions from 3 submitters: Uncertain significance (1); Likely benign (2). Last evaluated 2023-11-14.

Conditions:
Hereditary cancer-predisposing syndrome. Also called: Tumor predisposition; Neoplastic Syndromes, Hereditary; Hereditary Cancer Syndrome; Hereditary neoplastic syndrome. Identifiers: Orphanet 140162, MedGen C0027672, MeSH D009386, MONDO:0015356.
Nijmegen breakage syndrome-like disorder (NBSLD). Also called: MICROCEPHALY AND SPONTANEOUS CHROMOSOME INSTABILITY WITHOUT IMMUNODEFICIENCY; NBS-LIKE DISORDER; RAD50 DEFICIENCY. Identifiers: Orphanet 240760, MedGen C2751318, MONDO:0013118, OMIM 613078.

Submissions (3):

Women's Health and Genetics/Laboratory Corporation of America, LabCorp
Classification: Likely benign. Last evaluated: 2023-11-14. Review status: criteria provided, single submitter. Criteria: LabCorp Variant Classification Summary - May 2015. Collection method: clinical testing. Allele origin: germline.

Sema4
Classification: Uncertain significance for Nijmegen breakage syndrome-like disorder. Last evaluated: 2022-01-02. Review status: criteria provided, single submitter. Criteria: Sema4 Curation Guidelines. Collection method: curation. Allele origin: germline.
Comment: To the best of our knowledge, the RAD50 c.36G>A (p.V12=) variant has not been reported in individuals with RAD50-related disease. It was not observed in the large and broad cohorts of the Genome Aggregation Database (PMID: 32461654). The variant has been reported in ClinVar (Variation ID: 766321). The nucleotide is moderately conserved and in silico tools suggest that the variant does not have an impact on splicing, though these predictions have not been confirmed by functional studies. The evidence is insufficient to meet ACMG/AMP criteria for classifying the variant as benign or pathogenic. Thus, the clinical significance of this variant is currently uncertain.

Labcorp Genetics (formerly Invitae), Labcorp
Classification: Likely benign for Hereditary cancer-predisposing syndrome. Last evaluated: 2018-08-22. Review status: criteria provided, single submitter. Criteria: Invitae Variant Classification Sherloc (09022015). Collection method: clinical testing. Allele origin: germline.

NM_005732.4(RAD50):c.36G>A (p.Val12=)

Gene: RAD50 (RAD50 double strand break repair protein; plus strand). Cytogenetic location: 5q31.1.
Variant type: single nucleotide variant.
Coding change: c.36G>A on transcript NM_005732.4 (MANE Select); coding-DNA position 36, G replaced by A.
Protein change: p.Val12=; no amino-acid change (valine 12 retained).
Molecular consequence: synonymous variant.
Genome position (GRCh38, 1-based): chr5:132,557,360, G>A. VCF-style: chr5-132557360-G-A. GRCh37 (hg19) VCF-style: chr5-131893052-G-A.
Identifiers: ClinVar variation 766321 (VCV000766321.10), dbSNP rs1580974379, ClinGen allele CA446361449.